The following is an entry in ClinVar:

ClinVar aggregate classification (germline): Uncertain significance. Review status: criteria provided, multiple submitters, no conflicts (2 of 4 stars). 2 submissions from 2 submitters: Uncertain significance (2). Last evaluated 2023-08-14.

Conditions:
Catecholaminergic polymorphic ventricular tachycardia 1. Also called: VENTRICULAR TACHYCARDIA, STRESS-INDUCED POLYMORPHIC 1; VENTRICULAR TACHYCARDIA, CATECHOLAMINERGIC POLYMORPHIC, 1, WITH OR WITHOUT ATRIAL DYSFUNCTION AND/OR DILATED CARDIOMYOPATHY; RYR2-Related Catecholaminergic Polymorphic Ventricular Tachycardia. Identifiers: Orphanet 3286, MedGen C1631597, MONDO:0011484, OMIM 604772.

Submissions (2):

3billion
Classification: Uncertain significance for Catecholaminergic polymorphic ventricular tachycardia 1. Last evaluated: 2023-08-14. Review status: criteria provided, single submitter. Criteria: ACMG Guidelines, 2015. Collection method: clinical testing. Allele origin: germline. Affected: yes.
Comment: The variant is not observed in the gnomAD v2.1.1 dataset. Predicted Consequence/Location: Missense changes are a common disease-causing mechanism. In silico tool predictions suggest damaging effect of the variant on gene or gene product [REVEL: 0.88 (>=0.6, sensitivity 0.68 and specificity 0.92); 3Cnet: 0.68 (>=0.6, sensitivity 0.72 and precision 0.9)]. Therefore, this variant is classified as VUS according to the recommendation of ACMG/AMP guideline.

Blueprint Genetics
Classification: Uncertain significance. Last evaluated: 2021-03-11. Review status: criteria provided, single submitter. Criteria: ACMG Guidelines, 2015. Collection method: clinical testing. Allele origin: germline.

NM_001035.3(RYR2):c.6997C>T (p.Pro2333Ser)

Gene: RYR2 (ryanodine receptor 2; plus strand). Cytogenetic location: 1q43.
Variant type: single nucleotide variant.
Coding change: c.6997C>T on transcript NM_001035.3 (MANE Select); coding-DNA position 6997, C replaced by T.
Protein change: p.Pro2333Ser; replaces proline 2333 with serine.
Molecular consequence: missense variant.
Genome position (GRCh38, 1-based): chr1:237,639,083, C>T. VCF-style: chr1-237639083-C-T. GRCh37 (hg19) VCF-style: chr1-237802383-C-T.
Other names: short protein forms P2333S.
Identifiers: ClinVar variation 3775380 (VCV003775380.2).
Genomic context (GRCh38, chr1:237,639,083, plus strand): 5'-GTGGAGGAAAATGCAAATGTCGTGGTGAGATTGCTCATTCGGAGGCCTGAGTGTTTTGGT[C>T]CTGCTTTGAGAGGAGAAGGTGGGAATGGGCTTCTTGCAGCAATGGAAGAAGCCATCAAAA-3'
Protein context (NP_001026.2, residues 2323-2343): LLIRRPECFG[Pro2333Ser]ALRGEGGNGL